The following is an entry in ClinVar:

ClinVar aggregate classification (germline): Pathogenic. Review status: criteria provided, multiple submitters, no conflicts (2 of 4 stars). 11 submissions from 11 submitters: Pathogenic (10). 1 of the submissions does not count toward it. Last evaluated 2023-10-18.

Conditions:
Inborn genetic diseases. Identifiers: MedGen C0950123, MeSH D030342.
KCNQ2-Related Disorders. Also called: KCNQ2-related condition; KCNQ2-related disorder. Identifiers: MedGen CN169299.
Early-infantile DEE. Also called: Ohtahara syndrome; Early infantile epileptic encephalopathy; Early infantile epileptic encephalopathy with suppression bursts. Identifiers: Orphanet 1934, MedGen C0393706, MONDO:0800491.
Developmental and epileptic encephalopathy, 7 (DEE7). Also called: KCNQ2-Related Neonatal Epileptic Encephalopathy; Early infantile epileptic encephalopathy 7; KCNQ2-Related Neonatal-Onset Developmental and Epileptic Encephalopathy (NEO-DEE). Identifiers: Orphanet 439218, MedGen C3150986, MONDO:0013387, OMIM 613720.
Seizures, benign familial neonatal, 1. Also called: Benign Neonatal Epilepsy 1; KCNQ2-Related Benign Familial Neonatal Epilepsy; KCNQ2-Related Self-Limited Familial Neonatal Epilepsy (SLFNE); Seizures, benign neonatal, 1. Identifiers: Orphanet 1949, MedGen C3149074, MONDO:0007365, OMIM 121200.

Submissions (17):

Institute of Human Genetics, University of Leipzig Medical Center
Classification: Pathogenic for Developmental and epileptic encephalopathy, 7. Last evaluated: 2023-10-18. Review status: criteria provided, single submitter. Criteria: ACMG Guidelines, 2015. Collection method: clinical testing. Allele origin: unknown. Inheritance: Autosomal dominant inheritance. Affected: yes.
Comment: Criteria applied: PS2_VSTR,PS3_MOD,PM1,PM2_SUP,PP3

GeneDx
Classification: Pathogenic. Last evaluated: 2023-09-28. Review status: criteria provided, single submitter. Criteria: GeneDx Variant Classification Process June 2021. Collection method: clinical testing. Allele origin: germline. Affected: yes.
Comment: Published functional studies demonstrate that the R198Q substitution alters voltage gating of the channel (Miceli et al., 2008; Millichap et al., 2016); Missense variants in this gene are often considered pathogenic (HGMD); In silico analysis supports that this missense variant has a deleterious effect on protein structure/function; Not observed at significant frequency in large population cohorts (gnomAD); This variant is associated with the following publications: (PMID: 18515377, 31965297, 29655203, 31440733, 27861786, 29390993, 32506321, 29129156, 29455050, 33951346, 34163418, 31440721)

Duke University Health System Sequencing Clinic, Duke University Health System
Classification: Pathogenic for Developmental and epileptic encephalopathy, 7. Last evaluated: 2023-04-20. Review status: criteria provided, single submitter. Criteria: ACMG Guidelines, 2015. Collection method: research. Allele origin: de novo. Affected: yes.

Labcorp Genetics (formerly Invitae), Labcorp
Classification: Pathogenic for Early-infantile DEE. Last evaluated: 2022-09-23. Review status: criteria provided, single submitter. Criteria: Invitae Variant Classification Sherloc (09022015). Collection method: clinical testing. Allele origin: germline.
Comment: This sequence change replaces arginine, which is basic and polar, with glutamine, which is neutral and polar, at codon 198 of the KCNQ2 protein (p.Arg198Gln). This variant is not present in population databases (gnomAD no frequency). This missense change has been observed in individual(s) with early-onset epilepsy in infancy (PMID: 27861786, 29390993). In at least one individual the variant was observed to be de novo. ClinVar contains an entry for this variant (Variation ID: 205867). Advanced modeling of protein sequence and biophysical properties (such as structural, functional, and spatial information, amino acid conservation, physicochemical variation, residue mobility, and thermodynamic stability) performed at Invitae indicates that this missense variant is expected to disrupt KCNQ2 protein function. Experimental studies have shown that this missense change affects KCNQ2 function (PMID: 27861786). Algorithms developed to predict the effect of sequence changes on RNA splicing suggest that this variant may create or strengthen a splice site. For these reasons, this variant has been classified as Pathogenic.

Blueprint Genetics
Classification: Pathogenic for KCNQ2-related disorders. Last evaluated: 2022-05-05. Review status: criteria provided, single submitter. Criteria: ACMG Guidelines, 2015. Collection method: clinical testing. Allele origin: germline. Affected: yes. Observed: 1 variant allele.

Genetics Laboratory, UDIAT-Centre Diagnòstic, Hospital Universitari Parc Tauli
Classification: Pathogenic. Last evaluated: 2021-04-26. Review status: criteria provided, single submitter. Criteria: Parc Tauli Hospital Assertion Criteria 2021. Collection method: clinical testing. Allele origin: de novo. Inheritance: Autosomal dominant inheritance. Affected: yes. Observed: 1 heterozygote.
Comment: PM1_strong;PP5_strong;PM2_supporting;PM6_moderate;PP2_supporting;PP3_supporting

Victorian Clinical Genetics Services, Murdoch Childrens Research Institute
Classification: Pathogenic for Developmental and epileptic encephalopathy, 7. Last evaluated: 2020-04-09. Review status: criteria provided, single submitter. Criteria: ACMG Guidelines, 2015. Collection method: clinical testing. Allele origin: germline. Inheritance: Autosomal dominant inheritance. Affected: yes.
Comment: Based on the classification scheme VCGS_Germline_v1.1.1, this variant is classified as Pathogenic. Following criteria are met: 0103 - Both loss- and gain-of-function are known mechanisms of disease for this gene. Missense variants have been shown to have gain of function effects, whilst many NMD-predicted variants with loss of function effects have been reported (PMID 24318194; ClinVar). (N) 0104 - Dominant Negative is a mechanism of disease for this gene (PMID 24318194). (N) 0107 - This gene is known to be associated with autosomal dominant disease. (N) 0200 - Variant is predicted to result in a missense amino acid change from an arginine to a glutamine (exon 4). (N) 0251 - Variant is heterozygous. (N) 0301 - Variant is absent from gnomAD. (P) 0501 - Missense variant consistently predicted to be damaging by multiple in silico tools or highly conserved with a major amino acid change. (P) 0602 - Variant is located in a hotspot region or cluster of pathogenic variants (Ion transport domain). (P) 0603 - Missense variant in a region that is highly intolerant to missense variation (high constraint region). (P) 0801 - Strong previous evidence of pathogenicity in unrelated individuals. This variant has been reported de novo in individuals with infantile spasms without prior neonatal seizures (ClinVar; PMID 27861786). (P) 1002 - Moderate functional evidence supporting abnormal protein function. Functional studies with this variant showed gain of function effects on channel function (PMID 27861786). (P) 1208 - Inheritance information for this variant is not currently available. (N) Legend: (P) - Pathogenic, (N) - Neutral, (B) - Benign

CeGaT Center for Human Genetics Tuebingen
Classification: Pathogenic. Last evaluated: 2019-11-01. Review status: criteria provided, single submitter. Criteria: CeGaT Center For Human Genetics Tuebingen Variant Classification Criteria Version 2. Collection method: clinical testing. Allele origin: germline. Affected: yes. Observed: 2 variant alleles.

Ambry Genetics
Classification: Pathogenic for Inborn genetic diseases. Last evaluated: 2016-06-13. Review status: criteria provided, single submitter. Criteria: Ambry exome assertion method (8-5-2015). Collection method: clinical testing. Allele origin: germline. Affected: yes. Observed: 1 variant allele.

Center for Genomics, Ann and Robert H. Lurie Children's Hospital of Chicago
Classification: Pathogenic for Developmental and epileptic encephalopathy, 7; Seizures, benign familial neonatal, 1. Review status: criteria provided, single submitter. Criteria: ACMG Guidelines, 2015. Collection method: clinical testing. Allele origin: germline.
Comment: KCNQ2 NM_172107.3 exon 4 p.Arg198Gln (c.593G>A): This variant has been reported in the literature as de novo in at least 4 individuals with infantile spasms and hypsarrhythmia (Millichap 2017 PMID:27861786). This variant is not present in large control databases. This variant is present in ClinVar (Variation ID:205867). Evolutionary conservation and computational predictive tools suggest that this variant may impact the protein. Of note, splice prediction tools strongly predict the creation of a new acceptor site; however, further studies are needed to understand its impact. Functional studies also support this variant may impact the protein, potentially creating a gain of function (Millichap 2017 PMID:27861786). In summary, this variant is classified as pathogenic.

Clinical Genetics Laboratory, University Hospital Schleswig-Holstein
Classification: Pathogenic for Developmental and epileptic encephalopathy, 7. Last evaluated: 2022-04-05. Review status: no assertion criteria provided. Collection method: clinical testing. Allele origin: germline. Affected: yes. Not counted in ClinVar's aggregate classification.

Channelopathy-Associated Epilepsy Research Center
No classification provided (evidence only). Condition: Complex neurodevelopmental disorder. Review status: no classification provided. Collection method: literature only. Allele origin: not applicable. Functional consequence: Increase in peak current, Mild slowing of activation, Severe hyperpolarizing shift of voltage dependence of activation. Not counted in ClinVar's aggregate classification.
ClinVar note: "not provided" was previously submitted as the classification for the variant. However, the classification appeared to be based only on an observation of functional data so it was converted to no classification on 2025-07-30.

Channelopathy-Associated Epilepsy Research Center
No classification provided (evidence only). Review status: no classification provided. Collection method: in vitro. Allele origin: not applicable. Functional consequence: Increase in peak current. Not counted in ClinVar's aggregate classification.

Channelopathy-Associated Epilepsy Research Center
No classification provided (evidence only). Review status: no classification provided. Collection method: in vitro. Allele origin: not applicable. Functional consequence: Increase in peak current. Not counted in ClinVar's aggregate classification.

Channelopathy-Associated Epilepsy Research Center
No classification provided (evidence only). Review status: no classification provided. Collection method: in vitro. Allele origin: not applicable. Functional consequence: Hyperpolarizing shift of voltage dependence of activation. Not counted in ClinVar's aggregate classification.

Channelopathy-Associated Epilepsy Research Center
No classification provided (evidence only). Review status: no classification provided. Collection method: in vitro. Allele origin: not applicable. Functional consequence: Increase in slope of activation. Not counted in ClinVar's aggregate classification.

Channelopathy-Associated Epilepsy Research Center
No classification provided (evidence only). Review status: no classification provided. Collection method: in vitro. Allele origin: not applicable. Functional consequence: Normal rate of activation. Not counted in ClinVar's aggregate classification.

Literature cited by the submitters: PubMed 27861786 (cited by 3 submitters); PubMed 29390993 (cited by Labcorp Genetics (formerly Invitae), Labcorp); PubMed 24318194 (cited by Victorian Clinical Genetics Services, Murdoch Childrens Research Institute); PubMed 18515377 (cited by Ambry Genetics); PubMed 35104249 (cited by Channelopathy-Associated Epilepsy Research Center).

NM_172107.4(KCNQ2):c.593G>A (p.Arg198Gln)

Gene: KCNQ2 (potassium voltage-gated channel subfamily Q member 2; minus strand). Cytogenetic location: 20q13.33.
Variant type: single nucleotide variant.
Coding change: c.593G>A on transcript NM_172107.4 (MANE Select); coding-DNA position 593, G replaced by A.
Protein change: p.Arg198Gln; replaces arginine 198 with glutamine.
Molecular consequence: missense variant.
Genome position (GRCh38, 1-based): chr20:63,444,756, C>T on the plus strand (G>A on the coding strand, the complement: KCNQ2 is on the minus strand). VCF-style: chr20-63444756-C-T. GRCh37 (hg19) VCF-style: chr20-62076109-C-T.
Other names: p.R198Q:CGG>CAG; c.593G>A, p.Arg198Gln (NM_004518.6, NM_172106.3, NM_172108.5 and 1 more transcripts); c.593G>A (NM_001382235.1, NM_172107.3); short protein forms R198Q.
Identifiers: ClinVar variation 205867 (VCV000205867.71), dbSNP rs796052621, ClinGen allele CA315361.